The following is an entry in ClinVar:

ClinVar aggregate classification (germline): Benign/Likely benign. Review status: criteria provided, multiple submitters, no conflicts (2 of 4 stars). 6 submissions from 6 submitters: Benign (3); Likely benign (3). Last evaluated 2026-02-03.

Conditions:
Microcephalic osteodysplastic primordial dwarfism type II (MOPD2). Also called: Microcephalic osteodysplastic primordial dwarfism with tooth abnormalities; MOPD II; OSTEODYSPLASTIC PRIMORDIAL DWARFISM, TYPE II. Identifiers: Orphanet 2637, MedGen C0432246, MONDO:0008872, OMIM 210720.

Allele frequency attached by ClinVar (database versions not stated): ESP Exome Variant Server 0.00746; gnomAD exomes 0.00170; ExAC 0.00198; 1000 Genomes Project 0.00419; 1000 Genomes Project 30x 0.00484; gnomAD 0.00622 and 0.00679; TOPMed 0.00726.

Submissions (6):

Labcorp Genetics (formerly Invitae), Labcorp
Classification: Benign. Last evaluated: 2026-02-03. Review status: criteria provided, single submitter. Criteria: Invitae Variant Classification Sherloc (09022015). Collection method: clinical testing. Allele origin: germline.

Blueprint Genetics
Classification: Likely benign. Last evaluated: 2024-11-06. Review status: criteria provided, single submitter. Criteria: ACMG Guidelines, 2015. Collection method: clinical testing. Allele origin: germline.

ARUP Laboratories, Molecular Genetics and Genomics, ARUP Laboratories
Classification: Benign for Microcephalic osteodysplastic primordial dwarfism type II. Last evaluated: 2023-09-21. Review status: criteria provided, single submitter. Criteria: ARUP Molecular Germline Variant Investigation Process 2024. Collection method: clinical testing. Allele origin: germline.

GeneDx
Classification: Likely benign. Last evaluated: 2020-10-16. Review status: criteria provided, single submitter. Criteria: GeneDx Variant Classification Process June 2021. Collection method: clinical testing. Allele origin: germline. Affected: yes.

Illumina Laboratory Services, Illumina
Classification: Benign for Microcephalic osteodysplastic primordial dwarfism type II. Last evaluated: 2017-09-25. Review status: criteria provided, single submitter. Criteria: ICSL Variant Classification Criteria 13 December 2019. Collection method: clinical testing. Allele origin: germline.
Comment: This variant was observed as part of a predisposition screen in an ostensibly healthy population. A literature search was performed for the gene, cDNA change, and amino acid change (where applicable). No publications were found based on this search. Allele frequency data from public databases was too high to be consistent with this variant causing disease. Therefore, this variant is classified as benign.

Breakthrough Genomics
Classification: Likely benign. Review status: criteria provided, single submitter. Criteria: ACMG Guidelines, 2015. Collection method: not provided. Allele origin: germline. Inheritance: Autosomal recessive inheritance. Affected: yes.

NM_006031.6(PCNT):c.7398G>A (p.Glu2466=)

Gene: PCNT (pericentrin; plus strand). Cytogenetic location: 21q22.3.
Variant type: single nucleotide variant.
Coding change: c.7398G>A on transcript NM_006031.6 (MANE Select); coding-DNA position 7398, G replaced by A.
Protein change: p.Glu2466=; no amino-acid change (glutamic acid 2466 retained).
Molecular consequence: synonymous variant.
Genome position (GRCh38, 1-based): chr21:46,427,699, G>A. VCF-style: chr21-46427699-G-A. GRCh37 (hg19) VCF-style: chr21-47847613-G-A.
Other names: c.7044G>A, p.Glu2348= (NM_001315529.2).
Identifiers: ClinVar variation 380132 (VCV000380132.20), dbSNP rs114739559, ClinGen allele CA10080644.